The following is an entry in ClinVar:

NM_001378120.1(MBD5):c.2519-10_2519-9dup

Gene: MBD5 (methyl-CpG binding domain protein 5; plus strand). Cytogenetic location: 2q23.1.
Variant type: Duplication.
Coding change: c.2519-10_2519-9dup on transcript NM_001378120.1 (MANE Select); 10 bases into the intron before coding-DNA position 2519 through 9 bases into the intron before coding-DNA position 2519, 2 bases duplicated (TT; older notation c.2519-10_2519-9dupTT).
Molecular consequence: intron variant.
Genome position (GRCh38, 1-based): chr2:148,483,100-148,483,101, TT duplicated; duplicating any 2 consecutive bases within chr2:148,483,089-148,483,101 gives the same sequence; the c. name uses the placement nearest the transcript's 3' end. VCF-style (leftmost placement, unchanged base first): chr2-148483088-G-GTT. GRCh37 (hg19) VCF-style: chr2-149240657-G-GTT.
Other names: c.2519-10_2519-9dup (NM_018328.5).
Identifiers: ClinVar variation 3051007 (VCV003051007.2), dbSNP rs5835195, ClinGen allele CA1900172.

ClinVar aggregate classification (germline): Likely benign (0 of 4 stars; one submission).

Conditions:
MBD5-related disorder. Also called: MBD5-related condition.

Submission:

PreventionGenetics, part of Exact Sciences
Classification: Likely benign for MBD5-related condition. Last evaluated: 2020-01-28. Review status: no assertion criteria provided. Collection method: clinical testing. Allele origin: germline.
Comment: This variant is classified as likely benign based on ACMG/AMP sequence variant interpretation guidelines (Richards et al. 2015 PMID: 25741868, with internal and published modifications).